The following is an entry in ClinVar:

ClinVar aggregate classification (germline): Uncertain significance. Review status: criteria provided, multiple submitters, no conflicts (2 of 4 stars). 3 submissions from 3 submitters: Uncertain significance (3). Last evaluated 2023-08-04.

Conditions:
Luscan-Lumish syndrome. Identifiers: Orphanet 597738, MedGen C4085873, MONDO:0014791, OMIM 616831.

Allele frequency attached by ClinVar (database versions not stated): ExAC 0.00001; gnomAD exomes below 0.00001; gnomAD 0.00001.
gnomAD v4.1: 7 of 1,613,900 alleles (0.00043%); highest among the groups gnomAD compares: Admixed American, 0.0017%; no homozygotes.

Submissions (3):

Labcorp Genetics (formerly Invitae), Labcorp
Classification: Uncertain significance for Luscan-Lumish syndrome. Last evaluated: 2023-08-04. Review status: criteria provided, single submitter. Criteria: Invitae Variant Classification Sherloc (09022015). Collection method: clinical testing. Allele origin: germline.
Comment: In summary, the available evidence is currently insufficient to determine the role of this variant in disease. Therefore, it has been classified as a Variant of Uncertain Significance. Advanced modeling of protein sequence and biophysical properties (such as structural, functional, and spatial information, amino acid conservation, physicochemical variation, residue mobility, and thermodynamic stability) performed at Invitae indicates that this missense variant is not expected to disrupt SETD2 protein function. ClinVar contains an entry for this variant (Variation ID: 450584). This variant has not been reported in the literature in individuals affected with SETD2-related conditions. This variant is present in population databases (rs781672875, gnomAD 0.002%). This sequence change replaces glutamine, which is neutral and polar, with lysine, which is basic and polar, at codon 1343 of the SETD2 protein (p.Gln1343Lys).

Genome-Nilou Lab
Classification: Uncertain significance for Luscan-Lumish syndrome. Last evaluated: 2022-03-15. Review status: criteria provided, single submitter. Criteria: ACMG Guidelines, 2015. Collection method: clinical testing. Allele origin: germline. Affected: no.

GeneDx
Classification: Uncertain significance. Last evaluated: 2017-07-20. Review status: criteria provided, single submitter. Criteria: GeneDx Variant Classification (06012015). Collection method: clinical testing. Allele origin: germline. Affected: yes.
Comment: A variant of uncertain significance has been identified in the SETD2 gene. The Q1343K variant has not been published as a pathogenic variant, nor has it been reported as a benign variant to our knowledge. The Q1343K variant is observed in 1/66714 (0.001%) alleles from individuals of European background (Lek et al., 2016; 1000 Genomes Consortium et al., 2015; Exome Variant Server). The Q1343K variant is a semi-conservative amino acid substitution, which may impact secondary protein structure as these residues differ in some properties. However, this substitution occurs at a position that is not conserved. In silico analysis is inconsistent in its predictions as to whether or not the variant is damaging to the protein structure/function. Therefore, based on the currently available information, it is unclear whether this variant is a pathogenic variant or a rare benign variant.

NM_014159.7(SETD2):c.4027C>A (p.Gln1343Lys)

Gene: SETD2 (SET domain containing 2, histone lysine methyltransferase; minus strand). Cytogenetic location: 3p21.31.
Variant type: single nucleotide variant.
Coding change: c.4027C>A on transcript NM_014159.7 (MANE Select); coding-DNA position 4027, C replaced by A.
Protein change: p.Gln1343Lys; replaces glutamine 1343 with lysine.
Molecular consequence: missense variant. On other transcripts: non-coding transcript variant (1).
Genome position (GRCh38, 1-based): chr3:47,120,609, G>T on the plus strand (C>A on the coding strand, the complement: SETD2 is on the minus strand). VCF-style: chr3-47120609-G-T. GRCh37 (hg19) VCF-style: chr3-47162099-G-T.
Other names: c.3895C>A, p.Gln1299Lys (NM_001349370.3); short protein forms Q1343K, Q1299K.
Identifiers: ClinVar variation 450584 (VCV000450584.7), dbSNP rs781672875, ClinGen allele CA2363275.